The following is an entry in ClinVar:

NM_001003787.4(STRADA):c.412A>G (p.Ile138Val)

Gene: STRADA (STE20 related adaptor alpha; minus strand). Cytogenetic location: 17q23.3.
Variant type: single nucleotide variant.
Coding change: c.412A>G on transcript NM_001003787.4 (MANE Select); coding-DNA position 412, A replaced by G.
Protein change: p.Ile138Val; replaces isoleucine 138 with valine.
Molecular consequence: missense variant. On other transcripts: non-coding transcript variant (1).
Genome position (GRCh38, 1-based): chr17:63,710,773, T>C on the plus strand (A>G on the coding strand, the complement: STRADA is on the minus strand). VCF-style: chr17-63710773-T-C. GRCh37 (hg19) VCF-style: chr17-61788133-T-C.
Other names: c.301A>G, p.Ile101Val (NM_001003786.3, NM_001363789.1, NM_153335.6); c.238A>G, p.Ile80Val (NM_001003788.3, NM_001363790.1, NM_001363791.1); c.325A>G, p.Ile109Val (NM_001165969.2, NM_001363787.1); c.280A>G, p.Ile94Val (NM_001165970.2); c.388A>G, p.Ile130Val (NM_001363786.1); c.412A>G, p.Ile138Val (NM_001363788.1); short protein forms I101V, I138V, I109V, I80V, I130V, I94V.
Identifiers: ClinVar variation 452292 (VCV000452292.10), dbSNP rs767564418, ClinGen allele CA8703398.
Genomic context (GRCh38, chr17:63,710,773, plus strand): 5'-CCCTTTCCCACTCACCGTATGCCATGAATGATGTGACAACCCACAGCTCATTGTCTGCAA[T>C]AAAAGTGGCTCGATATGGCACGATATTGGGATGGTTGAAGAGTTTGGAGACATGCAGCTC-3'
Protein context (NP_001003787.1, residues 128-148): PNIVPYRATF[Ile138Val]ADNELWVVTS

ClinVar aggregate classification (germline): Uncertain significance. Review status: criteria provided, multiple submitters, no conflicts (2 of 4 stars). 2 submissions from 2 submitters: Uncertain significance (2). Last evaluated 2026-01-05.

Conditions:
Polyhydramnios, megalencephaly, and symptomatic epilepsy (PMSE). Also called: PMSE SYNDROME. Identifiers: Orphanet 500533, MedGen C1970203, MONDO:0012611, OMIM 611087.

Allele frequency attached by ClinVar (database versions not stated): ExAC 0.00002; gnomAD exomes 0.00003 and 0.00007; gnomAD 0.00007 and 0.00008; TOPMed 0.00021.
gnomAD v4.1: 51 of 1,614,046 alleles (0.0032%); highest among the groups gnomAD compares: Admixed American, 0.062%; no homozygotes.

Submissions (2):

Labcorp Genetics (formerly Invitae), Labcorp
Classification: Uncertain significance for Polyhydramnios, megalencephaly, and symptomatic epilepsy. Last evaluated: 2026-01-05. Review status: criteria provided, single submitter. Criteria: Invitae Variant Classification Sherloc (09022015). Collection method: clinical testing. Allele origin: germline.
Comment: This sequence change replaces isoleucine, which is neutral and non-polar, with valine, which is neutral and non-polar, at codon 138 of the STRADA protein (p.Ile138Val). This variant is present in population databases (rs767564418, gnomAD 0.05%). This variant has not been reported in the literature in individuals affected with STRADA-related conditions. ClinVar contains an entry for this variant (Variation ID: 452292). An algorithm developed to predict the effect of missense changes on protein structure and function (PolyPhen-2) suggests that this variant is likely to be tolerated. In summary, the available evidence is currently insufficient to determine the role of this variant in disease. Therefore, it has been classified as a Variant of Uncertain Significance.

GeneDx
Classification: Uncertain significance. Last evaluated: 2017-10-04. Review status: criteria provided, single submitter. Criteria: GeneDx Variant Classification (06012015). Collection method: clinical testing. Allele origin: germline. Affected: yes.
Comment: The I138V variant in the STRADA gene has not been reported previously as a pathogenic variant, nor as a benign variant, to our knowledge. The I138V variant is observed in 17/33582 (0.05%) alleles from individuals of Latino background in the ExAC dataset (Lek et al., 2016). The I138V variant is a conservative amino acid substitution, which is not likely to impact secondary protein structure as these residues share similar properties. This substitution occurs at a position where amino acids with similar properties to Isoleucine are tolerated across species. In silico analysis is inconsistent in its predictions as to whether or not the variant is damaging to the protein structure/function. We interpret I138V as a variant of uncertain significance.